The following is an entry in ClinVar:

ClinVar aggregate classification (germline): Uncertain significance (1 of 4 stars; one submission).

Conditions:
Bloom syndrome (BLM). Also called: Bloom-Torre-Machacek syndrome. Identifiers: Orphanet 125, MedGen C0005859, MONDO:0008876, OMIM 210900.

Submission:

Labcorp Genetics (formerly Invitae), Labcorp
Classification: Uncertain significance for Bloom syndrome. Last evaluated: 2024-08-19. Review status: criteria provided, single submitter. Criteria: Invitae Variant Classification Sherloc (09022015). Collection method: clinical testing. Allele origin: germline.
Comment: This sequence change replaces alanine, which is neutral and non-polar, with threonine, which is neutral and polar, at codon 964 of the BLM protein (p.Ala964Thr). This variant is not present in population databases (gnomAD no frequency). This variant has not been reported in the literature in individuals affected with BLM-related conditions. Invitae Evidence Modeling of protein sequence and biophysical properties (such as structural, functional, and spatial information, amino acid conservation, physicochemical variation, residue mobility, and thermodynamic stability) indicates that this missense variant is expected to disrupt BLM protein function with a positive predictive value of 80%. In summary, the available evidence is currently insufficient to determine the role of this variant in disease. Therefore, it has been classified as a Variant of Uncertain Significance.

NM_000057.4(BLM):c.2890G>A (p.Ala964Thr)

Gene: BLM (BLM RecQ like helicase; plus strand). Cytogenetic location: 15q26.1.
Variant type: single nucleotide variant.
Coding change: c.2890G>A on transcript NM_000057.4 (MANE Select); coding-DNA position 2890, G replaced by A.
Protein change: p.Ala964Thr; replaces alanine 964 with threonine.
Molecular consequence: missense variant.
Genome position (GRCh38, 1-based): chr15:90,790,715, G>A. VCF-style: chr15-90790715-G-A. GRCh37 (hg19) VCF-style: chr15-91333945-G-A.
Other names: c.2890G>A, p.Ala964Thr (NM_001287246.2, NM_001287247.2); c.1765G>A, p.Ala589Thr (NM_001287248.2); short protein forms A589T, A964T.
Identifiers: ClinVar variation 2866663 (VCV002866663.3), dbSNP rs2151184538, ClinGen allele CA393846354.